The following is an entry in ClinVar:

NM_000444.6(PHEX):c.2061T>G (p.Ser687Arg)

Genes: PHEX (phosphate regulating endopeptidase X-linked; plus strand), PTCHD1-AS (PTCHD1 and PHEX antisense RNA; minus strand). Cytogenetic location: Xp22.11.
Variant type: single nucleotide variant.
Coding change: c.2061T>G on transcript NM_000444.6 (MANE Select); coding-DNA position 2061, T replaced by G.
Protein change: p.Ser687Arg; replaces serine 687 with arginine.
Molecular consequence: missense variant. On other transcripts: non-coding transcript variant (1).
Genome position (GRCh38, 1-based): chrX:22,227,602, T>G. VCF-style: chrX-22227602-T-G. GRCh37 (hg19) VCF-style: chrX-22245719-T-G.
Other names: NC_000023.10:g.22245719T>G; c.2061T>G, p.Ser687Arg (NM_001282754.2); short protein forms S687R.
Identifiers: ClinVar variation 421011 (VCV000421011.3), dbSNP rs1064794849, ClinGen allele CA16621338.

ClinVar aggregate classification (germline): Likely pathogenic (1 of 4 stars; one submission).

Submissions (2):

GeneDx
Classification: Likely pathogenic. Last evaluated: 2016-06-15. Review status: criteria provided, single submitter. Criteria: GeneDx Variant Classification (06012015). Collection method: clinical testing. Allele origin: germline. Affected: yes.
Comment: The S687R variant a has not been published as a pathogenic variant, nor has it been reported as a benign variant to our knowledge. This variant was not observed in approximately 6500 individuals of European and African American ancestry in the NHLBI Exome Sequencing Project, indicating it is not a common benign variant in these populations. S687R is a semi-conservative amino acid substitution, which may impact secondary protein structure as these residues differ in some properties. This substitution occurs at a protein position that is conserved across species. In silico analysis predicts S687R creates a new strong cryptic splice donor site upstream of the natural donor site in exon 20, which remains unchanged. Missense variants in nearby residues (L683P, F684C, A689D) have been reported in the Human Gene Mutation Database in association with X-linked hypophosphatemic rickets (Stenson et al., 2014), supporting the functional importance of this region of the protein. Therefore, this variant is likely pathogenic; however, the possibility that it is benign cannot be excluded.

Dr. Peter K. Rogan Lab, Western University
No classification provided (evidence only). Condition: Nonpapillary renal cell carcinoma. Review status: no classification provided. Collection method: in vitro. Allele origin: not applicable. Functional consequence: retained intron. Not counted in ClinVar's aggregate classification.